The following is an entry in ClinVar:

ClinVar aggregate classification (germline): Uncertain significance (1 of 4 stars; one submission).

Conditions:
Inborn genetic diseases. Identifiers: MedGen C0950123, MeSH D030342.

Submission:

Ambry Genetics
Classification: Uncertain significance for Inborn genetic diseases. Last evaluated: 2026-04-06. Review status: criteria provided, single submitter. Criteria: Ambry Variant Classification Scheme 2023. Collection method: clinical testing. Allele origin: germline.
Comment: The c.484G>A (p.V162M) alteration is located in exon 5 (coding exon 3) of the ZDHHC9 gene. This alteration results from a G to A substitution at nucleotide position 484, causing the valine (V) at amino acid position 162 to be replaced by a methionine (M). This variant was not reported in population-based cohorts in the Genome Aggregation Database (gnomAD). This amino acid position is highly conserved in available vertebrate species. This missense variant is located in a region that has a low rate of benign missense variation (Lek, 2016; Firth, 2009). This alteration is predicted to be deleterious by in silico analysis. Based on insufficient or conflicting evidence, the clinical significance of this alteration remains unclear.

NM_016032.4(ZDHHC9):c.484G>A (p.Val162Met)

Gene: ZDHHC9 (zDHHC palmitoyltransferase 9; minus strand). Cytogenetic location: Xq26.1.
Variant type: single nucleotide variant.
Coding change: c.484G>A on transcript NM_016032.4 (MANE Select); coding-DNA position 484, G replaced by A.
Protein change: p.Val162Met; replaces valine 162 with methionine.
Molecular consequence: missense variant.
Genome position (GRCh38, 1-based): chrX:129,823,682, C>T on the plus strand (G>A on the coding strand, the complement: ZDHHC9 is on the minus strand). VCF-style: chrX-129823682-C-T. GRCh37 (hg19) VCF-style: chrX-128957658-C-T.
Other names: c.484G>A, p.Val162Met (NM_001008222.3); short protein forms V162M.
Identifiers: ClinVar variation 4866877 (VCV004866877.1).